The following is an entry in ClinVar:

ClinVar aggregate classification (germline): Uncertain significance. Review status: criteria provided, multiple submitters, no conflicts (2 of 4 stars). 2 submissions from 2 submitters: Uncertain significance (2). Last evaluated 2025-11-08.

Allele frequency attached by ClinVar (database versions not stated): gnomAD exomes below 0.00001; ExAC 0.00001; gnomAD 0.00001; TOPMed 0.00001; ESP Exome Variant Server 0.00008.
gnomAD v4.1: 4 of 1,599,640 alleles (0.00025%); highest among the groups gnomAD compares: Non-Finnish European, 0.00034%; no homozygotes.

Submissions (2):

Ambry Genetics
Classification: Uncertain significance. Last evaluated: 2025-11-08. Review status: criteria provided, single submitter. Criteria: Ambry Variant Classification Scheme 2023. Collection method: clinical testing. Allele origin: germline.

Labcorp Genetics (formerly Invitae), Labcorp
Classification: Uncertain significance. Last evaluated: 2022-02-25. Review status: criteria provided, single submitter. Criteria: Invitae Variant Classification Sherloc (09022015). Collection method: clinical testing. Allele origin: germline.
Comment: Algorithms developed to predict the effect of missense changes on protein structure and function are either unavailable or do not agree on the potential impact of this missense change (SIFT: "Deleterious"; PolyPhen-2: "Probably Damaging"; Align-GVGD: "Class C0"). This variant has not been reported in the literature in individuals affected with CCDC88A-related conditions. This variant is present in population databases (rs376900917, gnomAD 0.0009%). This sequence change replaces lysine, which is basic and polar, with isoleucine, which is neutral and non-polar, at codon 535 of the CCDC88A protein (p.Lys535Ile). In summary, the available evidence is currently insufficient to determine the role of this variant in disease. Therefore, it has been classified as a Variant of Uncertain Significance.

NM_001365480.1(CCDC88A):c.1604A>T (p.Lys535Ile)

Gene: CCDC88A (coiled-coil and HOOK domain protein 88A; minus strand). Cytogenetic location: 2p16.1.
Variant type: single nucleotide variant.
Coding change: c.1604A>T on transcript NM_001365480.1 (MANE Select); coding-DNA position 1604, A replaced by T.
Protein change: p.Lys535Ile; replaces lysine 535 with isoleucine.
Molecular consequence: missense variant.
Genome position (GRCh38, 1-based): chr2:55,336,733, T>A on the plus strand (A>T on the coding strand, the complement: CCDC88A is on the minus strand). VCF-style: chr2-55336733-T-A. GRCh37 (hg19) VCF-style: chr2-55563869-T-A.
Other names: c.1604A>T, p.Lys535Ile (NM_001135597.2, NM_001254943.2, NM_018084.5); c.1604A>T (NM_001135597.1); short protein forms K535I.
Identifiers: ClinVar variation 1896319 (VCV001896319.6), dbSNP rs376900917, ClinGen allele CA1666111.
Genomic context (GRCh38, chr2:55,336,733, plus strand): 5'-GTATGAACCTGTCTCTCTGAATTTTCTCTCAGTGTTTCTATTGTTTTTTCAAGCTGAGCT[T>A]TCTCCTTCATTAGATCCTTGCTTAAATTCTGACAATTCTGAAGACTTTGCTTTTCTTGAA-3'
Protein context (NP_001352409.1, residues 525-545): QNLSKDLMKE[Lys535Ile]AQLEKTIETL